The following is an entry in ClinVar:

ClinVar aggregate classification (germline): Uncertain significance (1 of 4 stars; one submission).

Submission:

Labcorp Genetics (formerly Invitae), Labcorp
Classification: Uncertain significance. Last evaluated: 2025-09-27. Review status: criteria provided, single submitter. Criteria: Invitae Variant Classification Sherloc (09022015). Collection method: clinical testing. Allele origin: germline.
Comment: This sequence change falls in intron 15 of the SPEG gene. It does not directly change the encoded amino acid sequence of the SPEG protein. This variant is not present in population databases (gnomAD no frequency). This variant has not been reported in the literature in individuals affected with SPEG-related conditions. Algorithms developed to predict the effect of sequence changes on RNA splicing suggest that this variant may disrupt the consensus splice site. In summary, the available evidence is currently insufficient to determine the role of this variant in disease. Therefore, it has been classified as a Variant of Uncertain Significance.

NM_005876.5(SPEG):c.3941-11T>A

Gene: SPEG (striated muscle enriched protein kinase; plus strand). Cytogenetic location: 2q35.
Variant type: single nucleotide variant.
Coding change: c.3941-11T>A on transcript NM_005876.5 (MANE Select); 11 bases into the intron before coding-DNA position 3941, T replaced by A.
Molecular consequence: intron variant.
Genome position (GRCh38, 1-based): chr2:219,472,879, T>A. VCF-style: chr2-219472879-T-A. GRCh37 (hg19) VCF-style: chr2-220337601-T-A.
Identifiers: ClinVar variation 4768708 (VCV004768708.1).
Genomic context (GRCh38, chr2:219,472,879, plus strand): 5'-CCCGGGCCAGCTGGATGGGGAGGGGTTACTGCTCCTGCAACAGCAGCCTCTAGTAGCTCC[T>A]CTCCCGCCAGACCCGGACTCCCTGACGTACACAGTGCAGCACCAGGTGCTGGGCTCGGAC-3'